The following is an entry in ClinVar:

ClinVar aggregate classification (germline): Uncertain significance. Review status: criteria provided, multiple submitters, no conflicts (2 of 4 stars). 2 submissions from 2 submitters: Uncertain significance (2). Last evaluated 2025-11-05.

Conditions:
Hereditary breast ovarian cancer syndrome. Also called: Hereditary breast and ovarian cancer syndrome (HBOC); Breast and ovarian cancer; Hereditary breast and ovarian cancer; Hereditary breast and ovarian cancer syndrome; BRCA1- and BRCA2-Associated Hereditary Breast and Ovarian Cancer; Hereditary breast and/or ovarian cancer syndrome. Identifiers: Orphanet 145, MedGen C0677776, MeSH D061325, MONDO:0003582. Disease mechanism: loss of function.

Submissions (2):

Labcorp Genetics (formerly Invitae), Labcorp
Classification: Uncertain significance for Hereditary breast ovarian cancer syndrome. Last evaluated: 2025-11-05. Review status: criteria provided, single submitter. Criteria: Invitae Variant Classification Sherloc (09022015). Collection method: clinical testing. Allele origin: germline.
Comment: This sequence change replaces alanine, which is neutral and non-polar, with serine, which is neutral and polar, at codon 1588 of the BRCA2 protein (p.Ala1588Ser). This variant is not present in population databases (gnomAD no frequency). This variant has not been reported in the literature in individuals affected with BRCA2-related conditions. Invitae Evidence Modeling of protein sequence and biophysical properties (such as structural, functional, and spatial information, amino acid conservation, physicochemical variation, residue mobility, and thermodynamic stability) indicates that this missense variant is not expected to disrupt BRCA2 protein function with a negative predictive value of 95%. In summary, the available evidence is currently insufficient to determine the role of this variant in disease. Therefore, it has been classified as a Variant of Uncertain Significance.

ARUP Laboratories, Molecular Genetics and Genomics, ARUP Laboratories
Classification: Uncertain significance. Last evaluated: 2025-02-04. Review status: criteria provided, single submitter. Criteria: ARUP Molecular Germline Variant Investigation Process 2024. Collection method: clinical testing. Allele origin: germline.
Comment: The BRCA2 c.4762G>T; p.Ala1588Ser variant, to our knowledge, is not reported in the medical literature or gene specific databases. This variant is also absent from the Genome Aggregation Database (v2.1.1), indicating it is not a common polymorphism. Computational analyses predict that this variant is neutral (REVEL: 0.059; BayesDel: -0.57). Due to limited information, the clinical significance of this variant is uncertain at this time.

NM_000059.4(BRCA2):c.4762G>T (p.Ala1588Ser)

Gene: BRCA2 (BRCA2 DNA repair associated; plus strand). Cytogenetic location: 13q13.1.
Variant type: single nucleotide variant.
Coding change: c.4762G>T on transcript NM_000059.4 (MANE Select); coding-DNA position 4762, G replaced by T.
Protein change: p.Ala1588Ser; replaces alanine 1588 with serine.
Molecular consequence: missense variant. On other transcripts: non-coding transcript variant (1), intron variant (2).
Genome position (GRCh38, 1-based): chr13:32,339,117, G>T. VCF-style: chr13-32339117-G-T. GRCh37 (hg19) VCF-style: chr13-32913254-G-T.
Other names: c.4762G>T, p.Ala1588Ser (NM_001406719.1, NM_001406720.1, NM_001432077.1); c.1910-5441G>T (NM_001406721.1); c.425-5441G>T (NM_001406722.1); short protein forms A1588S.
Identifiers: ClinVar variation 4685606 (VCV004685606.2).